The following is an entry in ClinVar:

ClinVar aggregate classification (germline): Uncertain significance (1 of 4 stars; one submission).

Allele frequency attached by ClinVar (database versions not stated): gnomAD 0.00001; gnomAD exomes 0.00001; TOPMed 0.00001.
gnomAD v4.1: 13 of 1,614,060 alleles (0.00081%); highest among the groups gnomAD compares: South Asian, 0.0011%; no homozygotes.

Submission:

Labcorp Genetics (formerly Invitae), Labcorp
Classification: Uncertain significance. Last evaluated: 2022-07-25. Review status: criteria provided, single submitter. Criteria: Invitae Variant Classification Sherloc (09022015). Collection method: clinical testing. Allele origin: germline.
Comment: In summary, the available evidence is currently insufficient to determine the role of this variant in disease. Therefore, it has been classified as a Variant of Uncertain Significance. Advanced modeling of protein sequence and biophysical properties (such as structural, functional, and spatial information, amino acid conservation, physicochemical variation, residue mobility, and thermodynamic stability) performed at Invitae indicates that this missense variant is not expected to disrupt TGM6 protein function. This variant has not been reported in the literature in individuals affected with TGM6-related conditions. This variant is present in population databases (no rsID available, gnomAD 0.0009%). This sequence change replaces alanine, which is neutral and non-polar, with threonine, which is neutral and polar, at codon 397 of the TGM6 protein (p.Ala397Thr).

NM_198994.3(TGM6):c.1189G>A (p.Ala397Thr)

Gene: TGM6 (transglutaminase 6; plus strand). Cytogenetic location: 20p13.
Variant type: single nucleotide variant.
Coding change: c.1189G>A on transcript NM_198994.3 (MANE Select); coding-DNA position 1189, G replaced by A.
Protein change: p.Ala397Thr; replaces alanine 397 with threonine.
Molecular consequence: missense variant.
Genome position (GRCh38, 1-based): chr20:2,403,676, G>A. VCF-style: chr20-2403676-G-A. GRCh37 (hg19) VCF-style: chr20-2384322-G-A.
Other names: c.1189G>A, p.Ala397Thr (NM_001254734.2); short protein forms A397T.
Identifiers: ClinVar variation 1921592 (VCV001921592.5), dbSNP rs986690561, ClinGen allele CA310842993.